The following is an entry in ClinVar:

ClinVar aggregate classification (germline): Uncertain significance. Review status: criteria provided, multiple submitters, no conflicts (2 of 4 stars). 4 submissions from 4 submitters: Uncertain significance (3). 1 of the submissions does not count toward it. Last evaluated 2025-09-09.

Conditions:
Inborn genetic diseases. Identifiers: MedGen C0950123, MeSH D030342.
Cyclical neutropenia. Also called: Cyclic hematopoiesis; Cyclic Neutropenia. Identifiers: Orphanet 2686, MedGen C0221023, MONDO:0008090, OMIM 162800, HP:0040289. Disease mechanism: loss of function.
Neutropenia, severe congenital, 1, autosomal dominant. Identifiers: MedGen C1859966, MONDO:0042490, OMIM 202700.
ELANE-related disorder. Also called: ELANE-related condition.

Allele frequency attached by ClinVar (database versions not stated): TOPMed below 0.00001; gnomAD 0.00001.

Submissions (4):

Labcorp Genetics (formerly Invitae), Labcorp
Classification: Uncertain significance for Neutropenia, severe congenital, 1, autosomal dominant; Cyclical neutropenia. Last evaluated: 2025-09-09. Review status: criteria provided, single submitter. Criteria: Invitae Variant Classification Sherloc (09022015). Collection method: clinical testing. Allele origin: germline.
Comment: This sequence change replaces alanine, which is neutral and non-polar, with threonine, which is neutral and polar, at codon 140 of the ELANE protein (p.Ala140Thr). This variant is not present in population databases (gnomAD no frequency). This variant has not been reported in the literature in individuals affected with ELANE-related conditions. ClinVar contains an entry for this variant (Variation ID: 808415). Invitae Evidence Modeling of protein sequence and biophysical properties (such as structural, functional, and spatial information, amino acid conservation, physicochemical variation, residue mobility, and thermodynamic stability) indicates that this missense variant is not expected to disrupt ELANE protein function with a negative predictive value of 95%. In summary, the available evidence is currently insufficient to determine the role of this variant in disease. Therefore, it has been classified as a Variant of Uncertain Significance.

Ambry Genetics
Classification: Uncertain significance for Inborn genetic diseases. Last evaluated: 2025-01-09. Review status: criteria provided, single submitter. Criteria: Ambry Variant Classification Scheme 2023. Collection method: clinical testing. Allele origin: germline.
Comment: The p.A140T variant (also known as c.418G>A), located in coding exon 4 of the ELANE gene, results from a G to A substitution at nucleotide position 418. The alanine at codon 140 is replaced by threonine, an amino acid with similar properties. This amino acid position is conserved. In addition, the in silico prediction for this alteration is inconclusive. Based on the available evidence, the clinical significance of this variant remains unclear.

CeGaT Center for Human Genetics Tuebingen
Classification: Uncertain significance. Last evaluated: 2017-11-01. Review status: criteria provided, single submitter. Criteria: CeGaT Center For Human Genetics Tuebingen Variant Classification Criteria Version 2. Collection method: clinical testing. Allele origin: germline. Affected: yes. Observed: 1 variant allele.

PreventionGenetics, part of Exact Sciences
Classification: Uncertain significance for ELANE-related condition. Last evaluated: 2024-03-01. Review status: no assertion criteria provided. Collection method: clinical testing. Allele origin: germline. Not counted in ClinVar's aggregate classification.
Comment: The ELANE c.418G>A variant is predicted to result in the amino acid substitution p.Ala140Thr. To our knowledge, this variant has not been reported in the literature or in a large population database, indicating this variant is rare. At this time, the clinical significance of this variant is uncertain due to the absence of conclusive functional and genetic evidence.

NM_001972.4(ELANE):c.418G>A (p.Ala140Thr)

Gene: ELANE (elastase, neutrophil expressed; plus strand). Cytogenetic location: 19p13.3.
Variant type: single nucleotide variant.
Coding change: c.418G>A on transcript NM_001972.4 (MANE Select); coding-DNA position 418, G replaced by A.
Protein change: p.Ala140Thr; replaces alanine 140 with threonine.
Molecular consequence: missense variant.
Genome position (GRCh38, 1-based): chr19:855,615, G>A. VCF-style: chr19-855615-G-A. GRCh37 (hg19) VCF-style: chr19-855615-G-A.
Other names: c.418G>A (NM_001972.2, NM_001972.3); short protein forms A140T.
Identifiers: ClinVar variation 808415 (VCV000808415.51), dbSNP rs760393415, ClinGen allele CA402917953.